The following is an entry in ClinVar:

ClinVar aggregate classification (germline): Benign/Likely benign. Review status: criteria provided, multiple submitters, no conflicts (2 of 4 stars). 13 submissions from 8 submitters: Benign (9); Likely benign (4). Last evaluated 2026-01-12.

Conditions:
Charcot-Marie-Tooth disease. Also called: Charcot-Marie-Tooth Hereditary Neuropathy; Charcot-Marie-Tooth Neuropathy. Identifiers: Orphanet 166, MedGen C0007959, MONDO:0015626.
Charcot-Marie-Tooth disease axonal type 2C (HMSN2C). Also called: Charcot-Marie-Tooth Disease Type 2, TRPV4-Related (CMT2C); CHARCOT-MARIE-TOOTH DISEASE, AXONAL, AUTOSOMAL DOMINANT, TYPE 2C; Charcot-Marie-Tooth Neuropathy Type 2C. Identifiers: Orphanet 99937, MedGen C1853710, MONDO:0011633, OMIM 606071.
Scapuloperoneal spinal muscular atrophy (SPSMA). Also called: Scapuloperoneal Spinal Muscular Atrophy, TRPV4-Related; AMYOTROPHY, NEUROGENIC SCAPULOPERONEAL, NEW ENGLAND TYPE; Scapuloperoneal Form of Spinal Muscular Atrophy; Scapuloperoneal spinal muscular atrophy, autosomal dominant. Identifiers: Orphanet 431255, MedGen C0751335, MONDO:0008408, OMIM 181405.
Neuronopathy, distal hereditary motor, autosomal dominant 8. Also called: SPINAL MUSCULAR ATROPHY, CONGENITAL BENIGN, WITH CONTRACTURES; NEURONOPATHY, DISTAL HEREDITARY MOTOR, TYPE VIII; NEUROPATHY, DISTAL HEREDITARY MOTOR, TYPE VIII; Autosomal dominant congenital benign spinal muscular atrophy. Identifiers: Orphanet 1216, MedGen C1838492, MONDO:0010839, OMIM 600175.
Spondylometaphyseal dysplasia, Kozlowski type (SMDK). Also called: Spondylometaphyseal Dysplasia, TRPV4-Related (Kozlowski Type); Dysmorphism arthrogryposis skeletal maturation advanced; Jequier-Kozlowski syndrome; Skeletal dysplasia Jequier-Kozlowski type; SMD Kozlowski type. Identifiers: Orphanet 93314, MedGen C0265280, MONDO:0008477, OMIM 184252.
Metatropic dysplasia (MTD). Also called: Metatropic Dysplasia, TRPV4-Related; Metatropic dysplasia, nonlethal dominant; METATROPIC DWARFISM. Identifiers: Orphanet 2635, MedGen C0265281, MONDO:0007986, OMIM 156530.
Brachyrachia (short spine dysplasia) (BCYM3). Also called: Brachyolmia, TRPV4-Related; Brachyolmia Type 3; BRACHYRACHIA; Autosomal dominant brachyolmia. Identifiers: Orphanet 93304, MedGen C0432227, MONDO:0007232, OMIM 113500.

Allele frequency attached by ClinVar (database versions not stated): ESP Exome Variant Server 0.00246; TOPMed 0.00257; 1000 Genomes Project 30x 0.00312; 1000 Genomes Project 0.00300; gnomAD 0.00225.
gnomAD v4.1: 732 of 1,614,090 alleles (0.045%); highest among the groups gnomAD compares: African/African-American, 0.74%; 7 homozygotes.

Submissions (13):

Labcorp Genetics (formerly Invitae), Labcorp
Classification: Benign for Charcot-Marie-Tooth disease axonal type 2C. Last evaluated: 2026-01-12. Review status: criteria provided, single submitter. Criteria: Invitae Variant Classification Sherloc (09022015). Collection method: clinical testing. Allele origin: germline.

CeGaT Center for Human Genetics Tuebingen
Classification: Likely benign. Last evaluated: 2025-07-01. Review status: criteria provided, single submitter. Criteria: CeGaT Center For Human Genetics Tuebingen Variant Classification Criteria Version 2. Collection method: clinical testing. Allele origin: germline. Affected: yes. Observed: 1 variant allele.
Comment: TRPV4: BP4

Blueprint Genetics
Classification: Likely benign. Last evaluated: 2024-11-01. Review status: criteria provided, single submitter. Criteria: ACMG Guidelines, 2015. Collection method: clinical testing. Allele origin: germline.

ARUP Laboratories, Molecular Genetics and Genomics, ARUP Laboratories
Classification: Benign. Last evaluated: 2023-09-06. Review status: criteria provided, single submitter. Criteria: ARUP Molecular Germline Variant Investigation Process 2024. Collection method: clinical testing. Allele origin: germline.

GeneDx
Classification: Likely benign. Last evaluated: 2020-08-26. Review status: criteria provided, single submitter. Criteria: GeneDx Variant Classification Process June 2021. Collection method: clinical testing. Allele origin: germline. Affected: yes.

Illumina Laboratory Services, Illumina
Classification: Benign for Scapuloperoneal spinal muscular atrophy. Last evaluated: 2018-01-13. Review status: criteria provided, single submitter. Criteria: ICSL Variant Classification Criteria 13 December 2019. Collection method: clinical testing. Allele origin: germline.
Comment: This variant was observed in the ICSL laboratory as part of a predisposition screen in an ostensibly healthy population. It had not been previously curated by ICSL or reported in the Human Gene Mutation Database (HGMD: prior to June 1st, 2018), and was therefore a candidate for classification through an automated scoring system. Utilizing variant allele frequency, disease prevalence and penetrance estimates, and inheritance mode, an automated score was calculated to assess if this variant is too frequent to cause the disease. Based on the score and internal cut-off values, a variant classified as benign is not then subjected to further curation. The score for this variant resulted in a classification of benign for this disease.

Illumina Laboratory Services, Illumina
Classification: Benign for Metatropic dysplasia. Last evaluated: 2018-01-13. Review status: criteria provided, single submitter. Criteria: ICSL Variant Classification Criteria 13 December 2019. Collection method: clinical testing. Allele origin: germline.
Comment: the same text as in the submission from Illumina Laboratory Services, Illumina above.

Illumina Laboratory Services, Illumina
Classification: Benign for Charcot-Marie-Tooth disease axonal type 2C. Last evaluated: 2018-01-13. Review status: criteria provided, single submitter. Criteria: ICSL Variant Classification Criteria 13 December 2019. Collection method: clinical testing. Allele origin: germline.
Comment: the same text as in the submission from Illumina Laboratory Services, Illumina above.

Illumina Laboratory Services, Illumina
Classification: Benign for Spondylometaphyseal dysplasia, Kozlowski type. Last evaluated: 2018-01-13. Review status: criteria provided, single submitter. Criteria: ICSL Variant Classification Criteria 13 December 2019. Collection method: clinical testing. Allele origin: germline.
Comment: the same text as in the submission from Illumina Laboratory Services, Illumina above.

Illumina Laboratory Services, Illumina
Classification: Benign for Neuronopathy, distal hereditary motor, autosomal dominant 8. Last evaluated: 2018-01-13. Review status: criteria provided, single submitter. Criteria: ICSL Variant Classification Criteria 13 December 2019. Collection method: clinical testing. Allele origin: germline.
Comment: the same text as in the submission from Illumina Laboratory Services, Illumina above.

Illumina Laboratory Services, Illumina
Classification: Benign for Brachyrachia (short spine dysplasia). Last evaluated: 2018-01-13. Review status: criteria provided, single submitter. Criteria: ICSL Variant Classification Criteria 13 December 2019. Collection method: clinical testing. Allele origin: germline.
Comment: the same text as in the submission from Illumina Laboratory Services, Illumina above.

Eurofins Ntd Llc (ga)
Classification: Benign. Last evaluated: 2015-10-08. Review status: criteria provided, single submitter. Criteria: EGL Classification Definitions 2015. Collection method: clinical testing. Allele origin: germline. Observed: 1 variant allele, 1 heterozygote.

Molecular Genetics Laboratory, London Health Sciences Centre
Classification: Likely benign for Charcot-Marie-Tooth disease. Review status: criteria provided, single submitter. Criteria: ACMG Guidelines, 2015. Collection method: clinical testing. Allele origin: germline. Affected: yes.

NM_021625.5(TRPV4):c.1824+4C>T

Gene: TRPV4 (transient receptor potential cation channel subfamily V member 4; minus strand). Cytogenetic location: 12q24.11.
Variant type: single nucleotide variant.
Coding change: c.1824+4C>T on transcript NM_021625.5 (MANE Select); 4 bases into the intron after coding-DNA position 1824, C replaced by T.
Molecular consequence: intron variant.
Genome position (GRCh38, 1-based): chr12:109,792,648, G>A on the plus strand (C>T on the coding strand, the complement: TRPV4 is on the minus strand). VCF-style: chr12-109792648-G-A. GRCh37 (hg19) VCF-style: chr12-110230453-G-A.
Other names: c.1503+4C>T (NM_001177433.1); c.1683+4C>T (NM_001177428.1); c.1644+4C>T (NM_147204.2); c.1722+4C>T (NM_001177431.1).
Identifiers: ClinVar variation 283590 (VCV000283590.32), dbSNP rs147259744, ClinGen allele CA6780097.